The following is an entry in ClinVar:

ClinVar aggregate classification (germline): Pathogenic. Review status: criteria provided, single submitter (1 of 4 stars). 2 submissions from 2 submitters: Pathogenic (1). 1 of the submissions does not count toward it. Last evaluated 2022-06-22.

Conditions:
Dyskeratosis congenita, digenic (DKCD). Identifiers: MedGen C5774217, MONDO:0031057, OMIM 620040.
Dyskeratosis congenita. Identifiers: Orphanet 1775, MedGen C0265965, MONDO:0015780.

Submissions (2):

Bone Marrow Failure laboratory, Queen Mary University London
Classification: Pathogenic for Dyskeratosis congenita. Last evaluated: 2022-06-22. Review status: criteria provided, single submitter. Criteria: ACMG Guidelines, 2015. Collection method: research. Allele origin: germline. Inheritance: Oligogenic inheritance. Affected: yes.
Comment: The following ACMG/AMP criteria were used: PVS1, PM2_supporting, PP3

OMIM
Classification: Pathogenic for DYSKERATOSIS CONGENITA, DIGENIC. Last evaluated: 2022-09-22. Review status: no assertion criteria provided. Collection method: literature only. Allele origin: germline. Not counted in ClinVar's aggregate classification.

Literature cited by the submitters: PubMed 35931051 (cited by OMIM).

NM_001071.4(TYMS):c.534_535insTG (p.Met179Ter)

Genes: TYMS (thymidylate synthetase; plus strand), ENOSF1 (enolase superfamily member 1; minus strand). Cytogenetic location: 18p11.32.
Variant type: Insertion.
Coding change: c.534_535insTG on transcript NM_001071.4 (MANE Select); coding-DNA positions 534 to 535, TG inserted.
Protein change: p.Met179Ter; replaces methionine 179 with a stop codon.
Molecular consequence: nonsense. On other transcripts: intron variant (1).
Genome position: GRCh38 VCF-style: chr18-669151-C-CTG. GRCh37 (hg19) VCF-style: chr18-669151-C-CTG.
Other names: c.285_286insTG, p.Met96Ter (NM_001354868.2); c.455-1541_455-1540insTG (NM_001354867.2); short protein forms M179*, M96*.
Identifiers: ClinVar variation 1693538 (VCV001693538.3), dbSNP rs2144335824, ClinGen allele CA2580095897.
Genomic context (GRCh38, chr18:669,151, plus strand): 5'-TGACCAACTGCAAAGAGTGATTGACACCATCAAAACCAACCCTGACGACAGAAGAATCAT[C>CTG]ATGTGCGCTTGGAATCCAAGAGGTTGAAAGAACCCCGTCGTCTTCATTTATACTAACCAT-3'